The following is an entry in ClinVar:

NM_005045.4(RELN):c.2465G>A (p.Arg822Lys)

Gene: RELN (reelin; minus strand). Cytogenetic location: 7q22.1.
Variant type: single nucleotide variant.
Coding change: c.2465G>A on transcript NM_005045.4 (MANE Select); coding-DNA position 2465, G replaced by A.
Protein change: p.Arg822Lys; replaces arginine 822 with lysine.
Molecular consequence: missense variant.
Genome position (GRCh38, 1-based): chr7:103,635,425, C>T on the plus strand (G>A on the coding strand, the complement: RELN is on the minus strand). VCF-style: chr7-103635425-C-T. GRCh37 (hg19) VCF-style: chr7-103275872-C-T.
Other names: c.2465G>A, p.Arg822Lys (NM_173054.3); short protein forms R822K.
Identifiers: ClinVar variation 2662868 (VCV002662868.1), dbSNP rs2484800321, ClinGen allele CA368759930.

ClinVar aggregate classification (germline): Uncertain significance (1 of 4 stars; one submission).

Submission:

GeneDx
Classification: Uncertain significance. Last evaluated: 2023-04-13. Review status: criteria provided, single submitter. Criteria: GeneDx Variant Classification Process June 2021. Collection method: clinical testing. Allele origin: germline. Affected: yes.
Comment: Not observed at significant frequency in large population cohorts (gnomAD); Variant affecting the last nucleotide of exon 19 in a gene for which loss of function is a known mechanism of disease, and both splice predictors and evolutionary conservation support a deleterious effect, although in the absence of functional evidence the actual effect of this sequence change is unknown.; In silico analysis supports that this missense variant does not alter protein structure/function; Has not been previously published as pathogenic or benign to our knowledge